The following is an entry in ClinVar:

ClinVar aggregate classification (germline): Benign. Review status: criteria provided, multiple submitters, no conflicts (2 of 4 stars). 3 submissions from 3 submitters: Benign (3). Last evaluated 2025-07-10.

Conditions:
Hereditary cancer-predisposing syndrome. Also called: Neoplastic Syndromes, Hereditary; Tumor predisposition; Hereditary neoplastic syndrome; Hereditary Cancer Syndrome. Identifiers: Orphanet 140162, MedGen C0027672, MeSH D009386, MONDO:0015356.

Allele frequency attached by ClinVar (database versions not stated): gnomAD exomes 0.33743 and 0.35960; ExAC 0.34614; gnomAD 0.38374 and 0.39421; 1000 Genomes Project 0.38718; TOPMed 0.39847; ESP Exome Variant Server 0.39849.
gnomAD v4.1: 532,628 of 1,464,814 alleles (36%); highest among the groups gnomAD compares: African/African-American, 56%; 101,537 homozygotes.

Submissions (3):

GeneKor MSA
Classification: Benign for Hereditary cancer-predisposing syndrome. Last evaluated: 2025-07-10. Review status: criteria provided, single submitter. Criteria: ACMG Guidelines, 2015. Collection method: clinical testing. Allele origin: germline.

GeneDx
Classification: Benign. Last evaluated: 2018-06-15. Review status: criteria provided, single submitter. Criteria: GeneDx Variant Classification (06012015). Collection method: clinical testing. Allele origin: germline. Affected: yes.
Comment: This variant is considered likely benign or benign based on one or more of the following criteria: it is a conservative change, it occurs at a poorly conserved position in the protein, it is predicted to be benign by multiple in silico algorithms, and/or has population frequency not consistent with disease.

Breakthrough Genomics
Classification: Benign. Review status: criteria provided, single submitter. Criteria: ACMG Guidelines, 2015. Collection method: not provided. Allele origin: germline. Inheritance: Autosomal dominant inheritance. Affected: yes.

NM_003072.5(SMARCA4):c.4425-35A>G

Gene: SMARCA4 (SWI/SNF related BAF chromatin remodeling complex subunit ATPase 4; plus strand). Cytogenetic location: 19p13.2.
Variant type: single nucleotide variant.
Coding change: c.4425-35A>G on transcript NM_003072.5 (MANE Select); 35 bases into the intron before coding-DNA position 4425, A replaced by G.
Molecular consequence: intron variant.
Genome position (GRCh38, 1-based): chr19:11,058,220, A>G. VCF-style: chr19-11058220-A-G. GRCh37 (hg19) VCF-style: chr19-11168896-A-G.
Other names: c.4425-35A>G (NM_001128844.3); c.4521-35A>G (NM_001128849.3, NM_001387283.1); c.4326-35A>G (NM_001128847.4, NM_001374457.1); c.4335-35A>G (NM_001128845.2); c.4335-38A>G (NM_001128846.2); c.4326-38A>G (NM_001128848.2).
Identifiers: ClinVar variation 676526 (VCV000676526.3), dbSNP rs8104480, ClinGen allele CA9204738.